The following is an entry in ClinVar:

NM_000179.3(MSH6):c.533dup (p.Ala179fs)

Gene: MSH6 (mutS homolog 6; plus strand). Cytogenetic location: 2p16.3.
Variant type: Duplication.
Coding change: c.533dup on transcript NM_000179.3 (MANE Select); coding-DNA position 533, one base duplicated (G; older notation c.533dupG).
Protein change: p.Ala179fs; shifts the reading frame from alanine 179.
Molecular consequence: frameshift variant. On other transcripts: 5 prime UTR variant (2), non-coding transcript variant (5), intron variant (8).
Genome position (GRCh38, 1-based): chr2:47,795,969, G duplicated. VCF-style (leftmost placement, unchanged base first): chr2-47795968-C-CG. GRCh37 (hg19) VCF-style: chr2-48023107-C-CG.
Other names: c.455dup, p.Ala153fs (NM_001406804.1); c.236dup, p.Ala80fs (NM_001406805.1, NM_001406818.1, NM_001406830.1 and 10 more transcripts); c.8dup, p.Ala4fs (NM_001406806.1, NM_001406807.1, NM_001406799.1); c.533dup, p.Ala179fs (NM_001406808.1, NM_001406809.1, NM_001406817.1 and 5 more transcripts); c.539dup, p.Ala181fs (NM_001406813.1); c.-462dup (NM_001406814.1); c.-279-2642dup (NM_001406811.1, NM_001281493.2, NM_001406812.1 and 4 more transcripts); c.238-2642dup (NM_001281492.2); and 3 more; short protein forms A123fs, A153fs, A179fs, A181fs, A211fs, A4fs, A80fs.
Identifiers: ClinVar variation 2673789 (VCV002673789.4), dbSNP rs2530519193, ClinGen allele CA2695200232.

ClinVar aggregate classification (germline): Pathogenic. Review status: criteria provided, multiple submitters, no conflicts (2 of 4 stars). 2 submissions from 2 submitters: Pathogenic (2). Last evaluated 2025-10-01.

Conditions:
Lynch syndrome 5 (LYNCH5). Also called: Hereditary non-polyposis colorectal cancer, type 5; Colorectal cancer, hereditary nonpolyposis, type 5. Identifiers: Orphanet 144, MedGen C1833477, MONDO:0013710, OMIM 614350. Disease mechanism: loss of function.
Hereditary nonpolyposis colorectal neoplasms. Identifiers: MedGen C0009405, MeSH D003123.

Submissions (2):

Labcorp Genetics (formerly Invitae), Labcorp
Classification: Pathogenic for Hereditary nonpolyposis colorectal neoplasms. Last evaluated: 2025-10-01. Review status: criteria provided, single submitter. Criteria: Invitae Variant Classification Sherloc (09022015). Collection method: clinical testing. Allele origin: germline.
Comment: This sequence change creates a premature translational stop signal (p.Ala179Cysfs*3) in the MSH6 gene. It is expected to result in an absent or disrupted protein product. Loss-of-function variants in MSH6 are known to be pathogenic (PMID: 18269114, 24362816). This variant is not present in population databases (gnomAD no frequency). This variant has not been reported in the literature in individuals affected with MSH6-related conditions. ClinVar contains an entry for this variant (Variation ID: 2673789). For these reasons, this variant has been classified as Pathogenic.

Myriad Genetics, Inc.
Classification: Pathogenic for Lynch syndrome 5. Last evaluated: 2023-08-10. Review status: criteria provided, single submitter. Criteria: Myriad Autosomal Dominant, Autosomal Recessive and X-Linked Classification Criteria (2023). Collection method: clinical testing. Allele origin: unknown.
Comment: This variant is considered pathogenic. This variant creates a frameshift predicted to result in premature protein truncation.

Literature cited by the submitters: PubMed 18269114 (cited by Labcorp Genetics (formerly Invitae), Labcorp); PubMed 24362816 (cited by Labcorp Genetics (formerly Invitae), Labcorp).